The following is an entry in ClinVar:

ClinVar aggregate classification (germline): Uncertain significance (1 of 4 stars; one submission).

Submission:

Labcorp Genetics (formerly Invitae), Labcorp
Classification: Uncertain significance. Last evaluated: 2025-11-02. Review status: criteria provided, single submitter. Criteria: Invitae Variant Classification Sherloc (09022015). Collection method: clinical testing. Allele origin: germline.
Comment: This sequence change replaces glutamine, which is neutral and polar, with histidine, which is basic and polar, at codon 359 of the CACNA1D protein (p.Gln359His). This variant is not present in population databases (gnomAD no frequency). This variant has not been reported in the literature in individuals affected with CACNA1D-related conditions. Invitae Evidence Modeling of protein sequence and biophysical properties (such as structural, functional, and spatial information, amino acid conservation, physicochemical variation, residue mobility, and thermodynamic stability) indicates that this missense variant is expected to disrupt CACNA1D protein function with a positive predictive value of 80%. In summary, the available evidence is currently insufficient to determine the role of this variant in disease. Therefore, it has been classified as a Variant of Uncertain Significance.

NM_001128840.3(CACNA1D):c.1077G>T (p.Gln359His)

Gene: CACNA1D (calcium voltage-gated channel subunit alpha1 D; plus strand). Cytogenetic location: 3p21.1.
Variant type: single nucleotide variant.
Coding change: c.1077G>T on transcript NM_001128840.3 (MANE Select); coding-DNA position 1077, G replaced by T.
Protein change: p.Gln359His; replaces glutamine 359 with histidine.
Molecular consequence: missense variant.
Genome position (GRCh38, 1-based): chr3:53,666,496, G>T. VCF-style: chr3-53666496-G-T. GRCh37 (hg19) VCF-style: chr3-53700523-G-T.
Other names: c.1077G>T, p.Gln359His (NM_000720.4, NM_001128839.3); short protein forms Q359H.
Identifiers: ClinVar variation 4743357 (VCV004743357.1).
Genomic context (GRCh38, chr3:53,666,496, plus strand): 5'-CCCGAACGGAGGCATCACCAACTTTGATAACTTTGCCTTTGCCATGCTTACTGTGTTTCA[G>T]TGCATCACCATGGAGGGCTGGACAGATGTGCTCTACTGGGTAAGTACCCTGGGGAGAGAG-3'
Protein context (NP_001122312.1, residues 349-369): NFAFAMLTVF[Gln359His]CITMEGWTDV